The following is an entry in ClinVar:

Conditions:
Breast-ovarian cancer, familial, susceptibility to, 1 (BROVCA1). Also called: BRCA1 Hereditary Breast and Ovarian Cancer; OVARIAN CANCER, SUSCEPTIBILITY TO. Identifiers: Orphanet 145, MedGen C2676676, MONDO:0011450, OMIM 604370. Disease mechanism: loss of function.

Submission:

Brotman Baty Institute, University of Washington
No classification provided (evidence only). Condition: Breast-ovarian cancer, familial 1. Review status: no classification provided. Collection method: in vitro. Allele origin: not applicable. Functional consequence: functionally_normal.
ClinVar note: "not provided" was previously submitted as the classification for the variant. However, the classification appeared to be based only on an observation of functional data so it was converted to no classification on 2025-07-30.

NM_007294.4(BRCA1):c.49G>A (p.Ala17Thr)

Gene: BRCA1 (BRCA1 DNA repair associated; minus strand). Cytogenetic location: 17q21.31.
Variant type: single nucleotide variant.
Coding change: c.49G>A on transcript NM_007294.4 (MANE Select); coding-DNA position 49, G replaced by A.
Protein change: p.Ala17Thr; replaces alanine 17 with threonine.
Molecular consequence: missense variant. On other transcripts: 5 prime UTR variant (1), non-coding transcript variant (1).
Genome position (GRCh38, 1-based): chr17:43,124,048, C>T on the plus strand (G>A on the coding strand, the complement: BRCA1 is on the minus strand). VCF-style: chr17-43124048-C-T. GRCh37 (hg19) VCF-style: chr17-41276065-C-T.
Other names: c.49G>A, p.Ala17Thr (NM_001407666.1, NM_001407667.1, NM_001407668.1 and 193 more transcripts); c.-209G>A (NM_001407694.1, NM_001407724.1, NM_001407727.1 and 11 more transcripts); c.-213G>A (NM_001407695.1, NM_001408465.1); c.-354G>A (NM_001407696.1); c.-238G>A (NM_001407697.1, NM_001407846.1, NM_001407920.1); c.-39G>A (NM_001407698.1, NM_001407732.1, NM_001407736.1 and 23 more transcripts); c.-212G>A (NM_001407725.1, NM_001407730.1, NM_001407734.1 and 22 more transcripts); c.-158G>A (NM_001407726.1, NM_001407751.1); and 8 more; short protein forms A17T.
Identifiers: ClinVar variation 869094 (VCV000869094.3), dbSNP rs1402064476, ClinGen allele CA10602061.